The following is an entry in ClinVar:

ClinVar aggregate classification (germline): Benign/Likely benign. Review status: criteria provided, multiple submitters, no conflicts (2 of 4 stars). 5 submissions from 5 submitters: Benign (1); Likely benign (3). 1 of the submissions does not count toward it. Last evaluated 2026-08-01.

Conditions:
RYR3-related disorder. Also called: RYR3-related condition.
Epileptic encephalopathy. Identifiers: MedGen C0543888, HP:0200134.

Allele frequency attached by ClinVar (database versions not stated): 1000 Genomes Project 0.00180; ExAC 0.00202; 1000 Genomes Project 30x 0.00219; gnomAD 0.00244 and 0.00265; TOPMed 0.00288; ESP Exome Variant Server 0.00344.
gnomAD v4.1: 729 of 1,579,484 alleles (0.046%); highest among the groups gnomAD compares: African/African-American, 0.83%; 3 homozygotes.

Submissions (5):

CeGaT Center for Human Genetics Tuebingen
Classification: Likely benign. Last evaluated: 2026-08-01. Review status: criteria provided, single submitter. Criteria: CeGaT Center For Human Genetics Tuebingen Variant Classification Criteria Version 2. Collection method: clinical testing. Allele origin: germline. Affected: yes. Observed: 2 variant alleles.
Comment: RYR3: BS2

Ambry Genetics
Classification: Likely benign. Last evaluated: 2025-08-21. Review status: criteria provided, single submitter. Criteria: Ambry Variant Classification Scheme 2023. Collection method: clinical testing. Allele origin: germline.

Labcorp Genetics (formerly Invitae), Labcorp
Classification: Benign for Epileptic encephalopathy. Last evaluated: 2025-02-20. Review status: criteria provided, single submitter. Criteria: Invitae Variant Classification Sherloc (09022015). Collection method: clinical testing. Allele origin: germline.

Center for Genomics, Ann and Robert H. Lurie Children's Hospital of Chicago
Classification: Likely benign. Last evaluated: 2022-04-14. Review status: criteria provided, single submitter. Criteria: ACMG Guidelines, 2015. Collection method: clinical testing. Allele origin: germline.
Comment: RYR3 NM_001036.4 exon 59 p.Arg2852His (c.8555G>A): This variant has not been reported in the literature but is present in the Genome Aggregation Database (Highest reported MAF 0.8% (349/41440), including 2 homozygotes. This variant is present in ClinVar (Variation ID:461970). This variant amino acid Histidine (His) is present in several species including multiple mammals and is not well conserved among evolutionarily distant species; this suggests that this variant may not impact the protein. Additional computational prediction tools do not suggest an impact. In summary, data on this variant suggests that this variant does not cause disease but requires further evidence. Therefore, this variant is classified as likely benign.

PreventionGenetics, part of Exact Sciences
Classification: Benign for RYR3-related condition. Last evaluated: 2020-04-29. Review status: no assertion criteria provided. Collection method: clinical testing. Allele origin: germline. Not counted in ClinVar's aggregate classification.
Comment: This variant is classified as benign based on ACMG/AMP sequence variant interpretation guidelines (Richards et al. 2015 PMID: 25741868, with internal and published modifications).

NM_001036.6(RYR3):c.8555G>A (p.Arg2852His)

Gene: RYR3 (ryanodine receptor 3; plus strand). Cytogenetic location: 15q14.
Variant type: single nucleotide variant.
Coding change: c.8555G>A on transcript NM_001036.6 (MANE Select); coding-DNA position 8555, G replaced by A.
Protein change: p.Arg2852His; replaces arginine 2852 with histidine.
Molecular consequence: missense variant.
Genome position (GRCh38, 1-based): chr15:33,756,345, G>A. VCF-style: chr15-33756345-G-A. GRCh37 (hg19) VCF-style: chr15-34048546-G-A.
Other names: c.8555G>A, p.Arg2852His (NM_001243996.4); c.8555G>A (NM_001036.3); short protein forms R2852H.
Identifiers: ClinVar variation 461970 (VCV000461970.41), dbSNP rs150799181, ClinGen allele CA7460250.